The following is an entry in ClinVar:

NM_138927.4(SON):c.5717_5720del (p.Arg1906fs)

Gene: SON (SON DNA and RNA binding protein; plus strand). Cytogenetic location: 21q22.11.
Variant type: Deletion.
Coding change: c.5717_5720del on transcript NM_138927.4 (MANE Select); coding-DNA positions 5717 to 5720, 4 bases deleted (GAAA; older notation c.5717_5720delGAAA).
Protein change: p.Arg1906fs; shifts the reading frame from arginine 1906.
Molecular consequence: frameshift variant. On other transcripts: non-coding transcript variant (1), intron variant (1).
Genome position (GRCh38, 1-based): chr21:33,554,948-33,554,951, GAAA deleted; deleting any 4 consecutive bases within chr21:33,554,945-33,554,951 gives the same sequence; the c. name uses the placement nearest the transcript's 3' end. VCF-style (leftmost placement, unchanged base first): chr21-33554944-AAAAG-A. GRCh37 (hg19) VCF-style: chr21-34927250-AAAAG-A.
Other names: c.5717_5720delGAAA (NM_032195.2); c.5717_5720del, p.Arg1906fs (NM_001291411.2, NM_032195.3); c.245-2208_245-2205del (NM_001291412.3); short protein forms R1906fs.
Identifiers: ClinVar variation 503761 (VCV000503761.8), dbSNP rs1382415023, ClinGen allele CA638053240.

ClinVar aggregate classification (germline): Pathogenic. Review status: criteria provided, multiple submitters, no conflicts (2 of 4 stars). 3 submissions from 3 submitters: Pathogenic (3). Last evaluated 2025-02-06.

Conditions:
Inborn genetic diseases. Identifiers: MedGen C0950123, MeSH D030342.
ZTTK syndrome (ZTTKS). Also called: ZTTK MULTIPLE CONGENITAL ANOMALIES-MENTAL RETARDATION SYNDROME; Zhu-Tokita-Takenouchi-Kim Syndrome. Identifiers: Orphanet 500150, MedGen C4310696, MONDO:0014936, OMIM 617140.

Submissions (3):

GeneDx
Classification: Pathogenic. Last evaluated: 2025-02-06. Review status: criteria provided, single submitter. Criteria: GeneDx Variant Classification Process June 2021. Collection method: clinical testing. Allele origin: germline. Affected: yes.
Comment: Frameshift variant predicted to result in protein truncation or nonsense mediated decay in a gene for which loss of function is a known mechanism of disease; Reported as a de novo variant in a patient with multiple congenital anomalies with or without neurodevelopmental symptoms; however, detailed clinical information was not provided (PMID: 27513193); Not observed at significant frequency in large population cohorts (gnomAD); This variant is associated with the following publications: (PMID: 27513193)

CENTOGENE GmbH and LLC - Guiding Precision Medicine
Classification: Pathogenic for ZTTK syndrome. Last evaluated: 2019-07-16. Review status: criteria provided, single submitter. Criteria: ACMG Guidelines, 2015. Collection method: clinical testing. Allele origin: germline. Affected: yes.

Ambry Genetics
Classification: Pathogenic for Inborn genetic diseases. Last evaluated: 2016-09-19. Review status: criteria provided, single submitter. Criteria: Ambry exome assertion method (8-5-2015). Collection method: clinical testing. Allele origin: germline. Affected: yes. Observed: 1 variant allele.